The following is an entry in ClinVar:

NM_152743.4(BRAT1):c.1279C>T (p.Arg427Ter)

Gene: BRAT1 (BRCA1 associated ATM activator 1; minus strand). Cytogenetic location: 7p22.3.
Variant type: single nucleotide variant.
Coding change: c.1279C>T on transcript NM_152743.4 (MANE Select); coding-DNA position 1279, C replaced by T.
Protein change: p.Arg427Ter; replaces arginine 427 with a stop codon.
Molecular consequence: nonsense. On other transcripts: non-coding transcript variant (1).
Genome position (GRCh38, 1-based): chr7:2,541,340, G>A on the plus strand (C>T on the coding strand, the complement: BRAT1 is on the minus strand). VCF-style: chr7-2541340-G-A. GRCh37 (hg19) VCF-style: chr7-2580974-G-A.
Other names: c.1279C>T, p.Arg427Ter (NM_001350626.2); c.754C>T, p.Arg252Ter (NM_001350627.2); short protein forms R252*, R427*.
Identifiers: ClinVar variation 988307 (VCV000988307.3), dbSNP rs761081587, ClinGen allele CA4127853.
Genomic context (GRCh38, chr7:2,541,340, plus strand): 5'-CGTACAGAACACACTCACCTGTCCCCTGTGACAGCGTCCCCAGGAAGTCGAGGGCTGCTC[G>A]CTGGACCCGGACGCAGCCCGCCAGGGTCCCACAGAGGTGGCCCCCCACACTGGAGGCAGG-3'

ClinVar aggregate classification (germline): Likely pathogenic. Review status: criteria provided, multiple submitters, no conflicts (2 of 4 stars). 2 submissions from 2 submitters: Likely pathogenic (2). Last evaluated 2016-12-28.

Conditions:
Neonatal-onset encephalopathy with rigidity and seizures. Also called: Lethal neonatal spasticity-epileptic encephalopathy syndrome. Identifiers: Orphanet 435845, MedGen C3281029, MONDO:0013784, OMIM 614498.
Neurodevelopmental disorder with cerebellar atrophy and with or without seizures. Identifiers: MedGen C4748032, MONDO:0020841, OMIM 618056.

Allele frequency attached by ClinVar (database versions not stated): ExAC 0.00001; gnomAD exomes 0.00001.
gnomAD v4.1: 1 of 1,604,194 alleles (0.000062%); highest among the groups gnomAD compares: Non-Finnish European, 0.000085%; no homozygotes.

Submissions (2):

Clinical Genetics and Genomics, Karolinska University Hospital
Classification: Likely pathogenic. Last evaluated: 2016-12-28. Review status: criteria provided, single submitter. Criteria: ACMG Guidelines, 2015. Collection method: clinical testing. Allele origin: germline. Affected: yes. Observed: 2 variant alleles.

Juno Genomics, Hangzhou Juno Genomics, Inc
Classification: Likely pathogenic for Neurodevelopmental disorder with cerebellar atrophy and with or without seizures; Neonatal-onset encephalopathy with rigidity and seizures. Review status: criteria provided, single submitter. Criteria: ACMG Guidelines, 2015. Collection method: clinical testing. Allele origin: germline. Affected: yes.
Comment: Absent from controls (or at extremely low frequency if recessive) in Genome Aggregation Database, Exome Sequencing Project, 1000 Genomes Project, or Exome Aggregation Consortium.;Null variant in a gene where loss of function (LOF) is a known mechanism of disease.